The following is an entry in ClinVar:

NM_001005373.4(LRSAM1):c.620-3C>T

Gene: LRSAM1 (leucine rich repeat and sterile alpha motif containing 1; plus strand). Cytogenetic location: 9q33.3.
Variant type: single nucleotide variant.
Coding change: c.620-3C>T on transcript NM_001005373.4 (MANE Select); 3 bases into the intron before coding-DNA position 620, C replaced by T.
Molecular consequence: intron variant.
Genome position (GRCh38, 1-based): chr9:127,473,798, C>T. VCF-style: chr9-127473798-C-T. GRCh37 (hg19) VCF-style: chr9-130236077-C-T.
Other names: p.?; c.620-3C>T (NM_138361.4, NM_138361.5, NM_001384142.1 and 3 more transcripts); c.-165-3C>T (NM_001384144.1).
Identifiers: ClinVar variation 381318 (VCV000381318.49), dbSNP rs373015900, ClinGen allele CA5246639.

ClinVar aggregate classification (germline): Conflicting classifications of pathogenicity. Review status: criteria provided, conflicting classifications (1 of 4 stars). 7 submissions from 7 submitters: Uncertain significance (4); Likely benign (2). 1 of the submissions does not count toward it. Last evaluated 2025-12-02.

Conditions:
Inborn genetic diseases. Identifiers: MedGen C0950123, MeSH D030342.
LRSAM1-related disorder. Also called: LRSAM1-related condition.
Charcot-Marie-Tooth disease axonal type 2P. Also called: Charcot-Marie-Tooth Neuropathy Type 2G; CHARCOT-MARIE-TOOTH NEUROPATHY, TYPE 2P; CHARCOT-MARIE-TOOTH DISEASE, AXONAL, TYPE 2G; CMT 2G. Identifiers: Orphanet 300319, Orphanet 99941, MedGen C3280797, MONDO:0013753, OMIM 614436.

Allele frequency attached by ClinVar (database versions not stated): ExAC 0.00007; gnomAD exomes 0.00009 and 0.00012; gnomAD 0.00010; TOPMed 0.00012; ESP Exome Variant Server 0.00015.
gnomAD v4.1: 186 of 1,614,062 alleles (0.012%); highest among the groups gnomAD compares: Non-Finnish European, 0.013%; no homozygotes.

Submissions (7):

GeneDx
Classification: Uncertain significance. Last evaluated: 2025-12-02. Review status: criteria provided, single submitter. Criteria: GeneDx Variant Classification Process June 2021. Collection method: clinical testing. Allele origin: germline. Affected: yes.
Comment: Has not been previously published as pathogenic or benign to our knowledge; In silico analysis is inconclusive as to whether the variant alters gene splicing. In the absence of RNA/functional studies, the actual effect of this sequence change is unknown.

Labcorp Genetics (formerly Invitae), Labcorp
Classification: Uncertain significance for Charcot-Marie-Tooth disease axonal type 2P. Last evaluated: 2025-11-02. Review status: criteria provided, single submitter. Criteria: Invitae Variant Classification Sherloc (09022015). Collection method: clinical testing. Allele origin: germline.
Comment: This sequence change falls in intron 9 of the LRSAM1 gene. It does not directly change the encoded amino acid sequence of the LRSAM1 protein. It affects a nucleotide within the consensus splice site. This variant is present in population databases (rs373015900, gnomAD 0.02%). This variant has not been reported in the literature in individuals affected with LRSAM1-related conditions. ClinVar contains an entry for this variant (Variation ID: 381318). Variants that disrupt the consensus splice site are a relatively common cause of aberrant splicing (PMID: 17576681, 9536098). Algorithms developed to predict the effect of sequence changes on RNA splicing suggest that this variant is not likely to affect RNA splicing. In summary, the available evidence is currently insufficient to determine the role of this variant in disease. Therefore, it has been classified as a Variant of Uncertain Significance.

Mayo Clinic Laboratories, Mayo Clinic
Classification: Likely benign. Last evaluated: 2024-11-19. Review status: criteria provided, single submitter. Criteria: ACMG Guidelines, 2015. Collection method: clinical testing. Allele origin: germline. Observed: 1 variant allele.

Blueprint Genetics
Classification: Likely benign. Last evaluated: 2024-11-15. Review status: criteria provided, single submitter. Criteria: ACMG Guidelines, 2015. Collection method: clinical testing. Allele origin: germline.

Ambry Genetics
Classification: Uncertain significance for Inborn genetic diseases. Last evaluated: 2023-08-22. Review status: criteria provided, single submitter. Criteria: Ambry Variant Classification Scheme 2023. Collection method: clinical testing. Allele origin: germline.
Comment: Unlikely to be causative of LRSAM1-related Charcot-Marie-Tooth disease, type 2 (AD) Based on insufficient or conflicting evidence, the clinical significance of this alteration remains unclear.

Illumina Laboratory Services, Illumina
Classification: Uncertain significance for Charcot-Marie-Tooth disease axonal type 2P. Last evaluated: 2018-01-13. Review status: criteria provided, single submitter. Criteria: ICSL Variant Classification Criteria 13 December 2019. Collection method: clinical testing. Allele origin: germline.

PreventionGenetics, part of Exact Sciences
Classification: Likely benign for LRSAM1-related condition. Last evaluated: 2019-03-26. Review status: no assertion criteria provided. Collection method: clinical testing. Allele origin: germline. Not counted in ClinVar's aggregate classification.
Comment: This variant is classified as likely benign based on ACMG/AMP sequence variant interpretation guidelines (Richards et al. 2015 PMID: 25741868, with internal and published modifications).

Literature cited by the submitters: PubMed 17576681 (cited by Labcorp Genetics (formerly Invitae), Labcorp); PubMed 9536098 (cited by Labcorp Genetics (formerly Invitae), Labcorp).